The following is an entry in ClinVar:

NM_014861.4(ATP2C2):c.378C>A (p.Val126=)

Gene: ATP2C2 (ATPase secretory pathway Ca2+ transporting 2; plus strand). Cytogenetic location: 16q24.1.
Variant type: single nucleotide variant.
Coding change: c.378C>A on transcript NM_014861.4 (MANE Select); coding-DNA position 378, C replaced by A.
Protein change: p.Val126=; no amino-acid change (valine 126 retained).
Molecular consequence: synonymous variant. On other transcripts: 5 prime UTR variant (1).
Genome position (GRCh38, 1-based): chr16:84,408,455, C>A. VCF-style: chr16-84408455-C-A. GRCh37 (hg19) VCF-style: chr16-84442061-C-A.
Other names: c.378C>A, p.Val126= (NM_001286527.3); c.-14C>A (NM_001291454.2).
Identifiers: ClinVar variation 2646918 (VCV002646918.24), dbSNP rs779347213, ClinGen allele CA496771536.

ClinVar aggregate classification (germline): Likely benign (1 of 4 stars; one submission).

gnomAD v4.1: 1 of 1,613,768 alleles (0.000062%); highest among the groups gnomAD compares: Non-Finnish European, 0.000085%; no homozygotes.

Submission:

CeGaT Center for Human Genetics Tuebingen
Classification: Likely benign. Last evaluated: 2023-03-01. Review status: criteria provided, single submitter. Criteria: CeGaT Center For Human Genetics Tuebingen Variant Classification Criteria Version 2. Collection method: clinical testing. Allele origin: germline. Affected: yes. Observed: 1 variant allele.
Comment: ATP2C2: PM2:Supporting, BP4, BP7